The following is an entry in ClinVar:

ClinVar aggregate classification (germline): Uncertain significance (1 of 4 stars; one submission).

Conditions:
DOCK2 deficiency. Also called: Immunodeficiency 40. Identifiers: Orphanet 447737, MedGen C4225328, MONDO:0014637, OMIM 616433.

Submission:

Labcorp Genetics (formerly Invitae), Labcorp
Classification: Uncertain significance for DOCK2 deficiency. Last evaluated: 2018-11-30. Review status: criteria provided, single submitter. Criteria: Invitae Variant Classification Sherloc (09022015). Collection method: clinical testing. Allele origin: germline.
Comment: This sequence change falls in intron 24 of the DOCK2 gene. It does not directly change the encoded amino acid sequence of the DOCK2 protein, but it affects a nucleotide within the consensus splice site of the intron. This variant is not present in population databases (ExAC no frequency). This variant has not been reported in the literature in individuals with DOCK2-related conditions. Nucleotide substitutions within the consensus splice site are a relatively common cause of aberrant splicing (PMID: 17576681, 9536098). Algorithms developed to predict the effect of sequence changes on RNA splicing suggest that this variant may disrupt the consensus splice site, but this prediction has not been confirmed by published transcriptional studies. In summary, the available evidence is currently insufficient to determine the role of this variant in disease. Therefore, it has been classified as a Variant of Uncertain Significance.

Literature cited by the submitters: PubMed 17576681; PubMed 9536098.

NM_004946.3(DOCK2):c.2447+4A>G

Gene: DOCK2 (dedicator of cytokinesis 2; plus strand). Cytogenetic location: 5q35.1.
Variant type: single nucleotide variant.
Coding change: c.2447+4A>G on transcript NM_004946.3 (MANE Select); 4 bases into the intron after coding-DNA position 2447, A replaced by G.
Molecular consequence: intron variant.
Genome position (GRCh38, 1-based): chr5:169,759,779, A>G. VCF-style: chr5-169759779-A-G. GRCh37 (hg19) VCF-style: chr5-169186783-A-G.
Other names: c.2447+4A>G (LRG_1227t1).
Identifiers: ClinVar variation 656415 (VCV000656415.4), dbSNP rs1581150663, ClinGen allele CA915942686.
Genomic context (GRCh38, chr5:169,759,779, plus strand): 5'-ATACATCCCATCTGTCCTGCATGATGTAGAAATGGTCTTTGATGCGAAGTTACTCAGGTG[A>G]GAGCTCATGTTGTACTTTCTTGGGCTCTGCTGGCAAGCTAGGGATTCAGAGTGGGAGGAG-3'